The following is an entry in ClinVar:

ClinVar aggregate classification (germline): Uncertain significance (1 of 4 stars; one submission).

Conditions:
Myofibrillar myopathy 4. Also called: Zaspopathy (type). Identifiers: Orphanet 98912, MedGen C4721886, MONDO:0012277, OMIM 609452.

Submission:

Labcorp Genetics (formerly Invitae), Labcorp
Classification: Uncertain significance for Myofibrillar myopathy 4. Last evaluated: 2020-04-27. Review status: criteria provided, single submitter. Criteria: Invitae Variant Classification Sherloc (09022015). Collection method: clinical testing. Allele origin: germline.
Comment: In summary, the available evidence is currently insufficient to determine the role of this variant in disease. Therefore, it has been classified as a Variant of Uncertain Significance. Algorithms developed to predict the effect of missense changes on protein structure and function are either unavailable or do not agree on the potential impact of this missense change (SIFT: "Tolerated"; PolyPhen-2: "Benign"; Align-GVGD: "Class C0"). This sequence change replaces valine with methionine at codon 102 of the LDB3 protein (p.Val102Met). The valine residue is moderately conserved and there is a small physicochemical difference between valine and methionine. This variant has not been reported in the literature in individuals with LDB3-related conditions. This variant is not present in population databases (ExAC no frequency).

NM_007078.3(LDB3):c.304G>A (p.Val102Met)

Gene: LDB3 (LIM domain binding 3; plus strand). Cytogenetic location: 10q23.2.
Variant type: single nucleotide variant.
Coding change: c.304G>A on transcript NM_007078.3 (MANE Select); coding-DNA position 304, G replaced by A.
Protein change: p.Val102Met; replaces valine 102 with methionine.
Molecular consequence: missense variant.
Genome position (GRCh38, 1-based): chr10:86,680,140, G>A. VCF-style: chr10-86680140-G-A. GRCh37 (hg19) VCF-style: chr10-88439897-G-A.
Other names: c.304G>A, p.Val102Met (NM_001080114.2, NM_001080115.2, NM_001080116.1 and 8 more transcripts); short protein forms V102M.
Identifiers: ClinVar variation 1034674 (VCV001034674.9), dbSNP rs1845031056, ClinGen allele CA377452393.